The following is an entry in ClinVar:

ClinVar aggregate classification (germline): Uncertain significance (1 of 4 stars; one submission).

Conditions:
TTN-related disorder. Also called: TTN-related condition; TTN-related disease; TTN-related disorders.

gnomAD v4.1: 6 of 1,613,526 alleles (0.00037%); highest among the groups gnomAD compares: Non-Finnish European, 0.00051%; no homozygotes.

Submission:

PreventionGenetics, part of Exact Sciences
Classification: Uncertain significance for TTN-related condition. Last evaluated: 2025-03-11. Review status: criteria provided, single submitter. Criteria: ACMG Guidelines, 2015. Collection method: clinical testing. Allele origin: germline.
Comment: The TTN c.77569A>G variant is predicted to result in the amino acid substitution p.Ile25857Val. To our knowledge, this variant has not been reported in the literature or in a large population database (gnomAD), indicating this variant is rare. At this time, the clinical significance of this variant is uncertain due to the absence of conclusive functional and genetic evidence.

NM_001267550.2(TTN):c.77569A>G (p.Ile25857Val)

Genes: TTN (titin; minus strand), TTN-AS1 (TTN antisense RNA 1; plus strand). Cytogenetic location: 2q31.2.
Variant type: single nucleotide variant.
Coding change: c.77569A>G on transcript NM_001267550.2 (MANE Select); coding-DNA position 77569, A replaced by G.
Protein change: p.Ile25857Val; replaces isoleucine 25857 with valine.
Molecular consequence: missense variant.
Genome position (GRCh38, 1-based): chr2:178,568,563, T>C on the plus strand (A>G on the coding strand, the complement: TTN is on the minus strand). VCF-style: chr2-178568563-T-C. GRCh37 (hg19) VCF-style: chr2-179433290-T-C.
Other names: c.72646A>G, p.Ile24216Val (NM_001256850.1); c.50374A>G, p.Ile16792Val (NM_003319.4); c.69865A>G, p.Ile23289Val (NM_133378.4); c.50749A>G, p.Ile16917Val (NM_133432.3); c.50950A>G, p.Ile16984Val (NM_133437.4); short protein forms I16984V, I16792V, I16917V, I23289V, I24216V, I25857V.
Identifiers: ClinVar variation 4978509 (VCV004978509.1).